The following is an entry in ClinVar:

NM_024120.5(NDUFAF5):c.363dup (p.Glu122fs)

Gene: NDUFAF5 (NADH:ubiquinone oxidoreductase complex assembly factor 5; plus strand). Cytogenetic location: 20p12.1.
Variant type: Duplication.
Coding change: c.363dup on transcript NM_024120.5 (MANE Select); coding-DNA position 363, one base duplicated (A; older notation c.363dupA).
Protein change: p.Glu122fs; shifts the reading frame from glutamic acid 122.
Molecular consequence: frameshift variant. On other transcripts: 5 prime UTR variant (3), non-coding transcript variant (7).
Genome position (GRCh38, 1-based): chr20:13,793,215, A duplicated. VCF-style (leftmost placement, unchanged base first): chr20-13793214-C-CA. GRCh37 (hg19) VCF-style: chr20-13773860-C-CA.
Other names: c.383dup, p.Lys129fs (NM_001039375.3); c.-5dup (NM_001352403.2); c.-199dup (NM_001352406.2, NM_001352407.2); c.363dup, p.Glu122fs (NM_001352408.2); short protein forms E122fs, K129fs.
Identifiers: ClinVar variation 2189888 (VCV002189888.4), dbSNP rs2516142077, ClinGen allele CA2580097900.

ClinVar aggregate classification (germline): Pathogenic (1 of 4 stars; one submission).

Submission:

Labcorp Genetics (formerly Invitae), Labcorp
Classification: Pathogenic. Last evaluated: 2022-01-28. Review status: criteria provided, single submitter. Criteria: Invitae Variant Classification Sherloc (09022015). Collection method: clinical testing. Allele origin: germline.
Comment: For these reasons, this variant has been classified as Pathogenic. This variant has not been reported in the literature in individuals affected with NDUFAF5-related conditions. This variant is not present in population databases (gnomAD no frequency). This sequence change creates a premature translational stop signal (p.Glu122Argfs*20) in the NDUFAF5 gene. It is expected to result in an absent or disrupted protein product. Loss-of-function variants in NDUFAF5 are known to be pathogenic (PMID: 26275793, 30473481, 32918965).

Literature cited by the submitters: PubMed 26275793; PubMed 30473481; PubMed 32918965.